The following is an entry in ClinVar:

NM_000092.5(COL4A4):c.72-20G>A

Gene: COL4A4 (collagen type IV alpha 4 chain; minus strand). Cytogenetic location: 2q36.3.
Variant type: single nucleotide variant.
Coding change: c.72-20G>A on transcript NM_000092.5 (MANE Select); 20 bases into the intron before coding-DNA position 72, G replaced by A.
Molecular consequence: intron variant.
Genome position (GRCh38, 1-based): chr2:227,144,578, C>T on the plus strand (G>A on the coding strand, the complement: COL4A4 is on the minus strand). VCF-style: chr2-227144578-C-T. GRCh37 (hg19) VCF-style: chr2-228009294-C-T.
Other names: c.72-20G>A (NM_000092.4).
Identifiers: ClinVar variation 3020475 (VCV003020475.4), dbSNP rs376062591, ClinGen allele CA2145818.

ClinVar aggregate classification (germline): Likely benign. Review status: criteria provided, multiple submitters, no conflicts (2 of 4 stars). 2 submissions from 2 submitters: Likely benign (2). Last evaluated 2026-02-16.

Conditions:
COL4A4-related disorder.

Allele frequency attached by ClinVar (database versions not stated): TOPMed 0.00001; gnomAD 0.00002; gnomAD exomes 0.00004; ExAC 0.00008; ESP Exome Variant Server 0.00009; 1000 Genomes Project 30x 0.00016; 1000 Genomes Project 0.00020.
gnomAD v4.1: 60 of 1,570,240 alleles (0.0038%); highest among the groups gnomAD compares: South Asian, 0.057%; 1 homozygote.

Submissions (2):

PreventionGenetics, part of Exact Sciences
Classification: Likely benign for COL4A4-related condition. Last evaluated: 2026-02-16. Review status: criteria provided, single submitter. Criteria: ACMG Guidelines, 2015. Collection method: clinical testing. Allele origin: germline.
Comment: This variant is classified as likely benign based on ACMG/AMP sequence variant interpretation guidelines (Richards et al. 2015 PMID: 25741868, with internal and published modifications).

Labcorp Genetics (formerly Invitae), Labcorp
Classification: Likely benign. Last evaluated: 2026-01-19. Review status: criteria provided, single submitter. Criteria: Invitae Variant Classification Sherloc (09022015). Collection method: clinical testing. Allele origin: germline.